The following is an entry in ClinVar:

ClinVar aggregate classification (germline): Uncertain significance (1 of 4 stars; one submission).

Allele frequency attached by ClinVar (database versions not stated): ExAC 0.00001; gnomAD exomes 0.00001.
gnomAD v4.1: 8 of 1,612,996 alleles (0.0005%); highest among the groups gnomAD compares: South Asian, 0.0011%; no homozygotes.

Submission:

Ambry Genetics
Classification: Uncertain significance. Last evaluated: 2022-02-07. Review status: criteria provided, single submitter. Criteria: Ambry Variant Classification Scheme 2023. Collection method: clinical testing. Allele origin: germline.
Comment: The p.R146W variant (also known as c.436C>T), located in coding exon 1 of the EGLN2 gene, results from a C to T substitution at nucleotide position 436. The arginine at codon 146 is replaced by tryptophan, an amino acid with dissimilar properties. This amino acid position is conserved. In addition, this alteration is predicted to be tolerated by in silico analysis. Since supporting evidence is limited at this time, the clinical significance of this alteration remains unclear.

NM_080732.4(EGLN2):c.436C>T (p.Arg146Trp)

Genes: EGLN2 (egl-9 family hypoxia inducible factor 2; plus strand), RAB4B-EGLN2 (RAB4B-EGLN2 readthrough (NMD candidate); plus strand). Cytogenetic location: 19q13.2.
Variant type: single nucleotide variant.
Coding change: c.436C>T on transcript NM_080732.4 (MANE Select); coding-DNA position 436, C replaced by T.
Protein change: p.Arg146Trp; replaces arginine 146 with tryptophan.
Molecular consequence: missense variant. On other transcripts: non-coding transcript variant (1).
Genome position (GRCh38, 1-based): chr19:40,801,008, C>T. VCF-style: chr19-40801008-C-T. GRCh37 (hg19) VCF-style: chr19-41306913-C-T.
Other names: c.436C>T, p.Arg146Trp (NM_053046.4); short protein forms R146W.
Identifiers: ClinVar variation 1740067 (VCV001740067.2), dbSNP rs751089985, ClinGen allele CA9452218.